The following is an entry in ClinVar:

NM_001844.5(COL2A1):c.3641dup (p.Gly1215fs)

Gene: COL2A1 (collagen type II alpha 1 chain; minus strand). Cytogenetic location: 12q13.11.
Variant type: Duplication.
Coding change: c.3641dup on transcript NM_001844.5 (MANE Select); coding-DNA position 3641, one base duplicated (C; older notation c.3641dupC).
Protein change: p.Gly1215fs; shifts the reading frame from glycine 1215.
Molecular consequence: frameshift variant.
Genome position (GRCh38, 1-based): chr12:47,975,562, G duplicated on the plus strand (C on the coding strand, the reverse complement: COL2A1 is on the minus strand); the first of 5 consecutive G bases (chr12:47,975,562-47,975,566); duplicating any one gives the same sequence. VCF-style (leftmost placement, unchanged base first): chr12-47975561-A-AG. GRCh37 (hg19) VCF-style: chr12-48369344-A-AG.
Other names: c.3434dup, p.Gly1146fs (NM_033150.3); short protein forms G1215fs, G1146fs.
Identifiers: ClinVar variation 4005331 (VCV004005331.1).

ClinVar aggregate classification (germline): Pathogenic (1 of 4 stars; one submission).

Conditions:
Inborn genetic diseases. Identifiers: MedGen C0950123, MeSH D030342.

Submission:

Ambry Genetics
Classification: Pathogenic for Inborn genetic diseases. Last evaluated: 2025-03-19. Review status: criteria provided, single submitter. Criteria: Ambry Variant Classification Scheme 2023. Collection method: clinical testing. Allele origin: germline.
Comment: The c.3641dupC (p.G1215Wfs*38) alteration, located in exon 51 (coding exon 51) of the COL2A1 gene, consists of a duplication of C at position 3641, causing a translational frameshift with a predicted alternate stop codon after 38 amino acids. This alteration is expected to result in loss of function by premature protein truncation or nonsense-mediated mRNA decay. This variant was not reported in population-based cohorts in the Genome Aggregation Database (gnomAD). This variant has been reported in an individual with features consistent with COL2A1-related skeletal dysplasia, specifically the Stickler syndrome presentation (Hoornaert, 2010). Based on the available evidence, this alteration is classified as pathogenic.

Literature cited by the submitters: PubMed 20179744.